The following is an entry in ClinVar:

NM_006828.4(ASCC3):c.4993A>G (p.Thr1665Ala)

Gene: ASCC3 (activating signal cointegrator 1 complex subunit 3; minus strand). Cytogenetic location: 6q16.3.
Variant type: single nucleotide variant.
Coding change: c.4993A>G on transcript NM_006828.4 (MANE Select); coding-DNA position 4993, A replaced by G.
Protein change: p.Thr1665Ala; replaces threonine 1665 with alanine.
Molecular consequence: missense variant.
Genome position (GRCh38, 1-based): chr6:100,606,791, T>C on the plus strand (A>G on the coding strand, the complement: ASCC3 is on the minus strand). VCF-style: chr6-100606791-T-C. GRCh37 (hg19) VCF-style: chr6-101054667-T-C.
Other names: short protein forms T1665A.
Identifiers: ClinVar variation 3361579 (VCV003361579.1).

ClinVar aggregate classification (germline): Uncertain significance (1 of 4 stars; one submission).

Submission:

GeneDx
Classification: Uncertain significance. Last evaluated: 2023-08-09. Review status: criteria provided, single submitter. Criteria: GeneDx Variant Classification Process June 2021. Collection method: clinical testing. Allele origin: germline. Affected: yes.
Comment: Not observed at significant frequency in large population cohorts (gnomAD); In silico analysis supports that this missense variant has a deleterious effect on protein structure/function; Has not been previously published as pathogenic or benign to our knowledge